The following is an entry in ClinVar:

ClinVar aggregate classification (germline): Pathogenic/Likely pathogenic. Review status: criteria provided, multiple submitters, no conflicts (2 of 4 stars). 3 submissions from 3 submitters: Pathogenic (1); Likely pathogenic (2). Last evaluated 2022-07-25.

Conditions:
Autosomal recessive Alport syndrome (ATS2). Also called: Alport syndrome type 2; COL4A3-Related Nephropathy; ALPORT SYNDROME 2, AUTOSOMAL RECESSIVE; COL4A4 Alport Syndrome and Thin Basement Membrane Nephropathy. Identifiers: Orphanet 63, Orphanet 88919, MedGen C4746745, MONDO:0008762, OMIM 203780.
Benign familial hematuria. Also called: thin basement membrane disease. Identifiers: MedGen C0241908, MONDO:0957317.
COL4A4-related disorder.

Submissions (3):

Blueprint Genetics
Classification: Likely pathogenic for COL4A4-related disorders. Last evaluated: 2022-07-25. Review status: criteria provided, single submitter. Criteria: ACMG Guidelines, 2015. Collection method: clinical testing. Allele origin: germline. Affected: yes. Observed: 1 variant allele.

Labcorp Genetics (formerly Invitae), Labcorp
Classification: Pathogenic. Last evaluated: 2022-06-09. Review status: criteria provided, single submitter. Criteria: Invitae Variant Classification Sherloc (09022015). Collection method: clinical testing. Allele origin: germline.
Comment: For these reasons, this variant has been classified as Pathogenic. This variant has not been reported in the literature in individuals affected with COL4A4-related conditions. This variant is not present in population databases (gnomAD no frequency). This sequence change creates a premature translational stop signal (p.Ala493Leufs*2) in the COL4A4 gene. It is expected to result in an absent or disrupted protein product. Loss-of-function variants in COL4A4 are known to be pathogenic (PMID: 21196518, 24854265, 25307543).

Fulgent Genetics
Classification: Likely pathogenic for Hematuria, benign familial, 1; Autosomal recessive Alport syndrome. Last evaluated: 2022-05-06. Review status: criteria provided, single submitter. Criteria: ACMG Guidelines, 2015. Collection method: clinical testing. Allele origin: unknown.

Literature cited by the submitters: PubMed 21196518 (cited by Labcorp Genetics (formerly Invitae), Labcorp); PubMed 24854265 (cited by Labcorp Genetics (formerly Invitae), Labcorp); PubMed 25307543 (cited by Labcorp Genetics (formerly Invitae), Labcorp).

NM_000092.5(COL4A4):c.1476_1477del (p.Ala493fs)

Gene: COL4A4 (collagen type IV alpha 4 chain; minus strand). Cytogenetic location: 2q36.3.
Variant type: Microsatellite.
Coding change: c.1476_1477del on transcript NM_000092.5 (MANE Select); coding-DNA positions 1476 to 1477, 2 bases deleted (TG; older notation c.1476_1477delTG).
Protein change: p.Ala493fs; shifts the reading frame from alanine 493.
Molecular consequence: frameshift variant.
Genome position (GRCh38, 1-based): chr2:227,088,799-227,088,800, CA deleted on the plus strand (TG on the coding strand, the reverse complement: COL4A4 is on the minus strand); deleting any 2 consecutive bases within chr2:227,088,799-227,088,802 gives the same sequence; the c. name uses the placement nearest the transcript's 3' end. VCF-style (leftmost placement, unchanged base first): chr2-227088798-GCA-G. GRCh37 (hg19) VCF-style: chr2-227953514-GCA-G.
Other names: short protein forms A493fs.
Identifiers: ClinVar variation 1458960 (VCV001458960.8), dbSNP rs2150596830, ClinGen allele CA2580616720.